The following is an entry in ClinVar:

ClinVar aggregate classification (germline): Likely pathogenic (1 of 4 stars; one submission).

Conditions:
Neurooculorenal syndrome (NORS). Identifiers: MedGen C5830377, MONDO:0957210, OMIM 620305.

Submission:

3billion
Classification: Likely pathogenic for Neurooculorenal syndrome. Last evaluated: 2025-09-05. Review status: criteria provided, single submitter. Criteria: ACMG Guidelines, 2015. Collection method: clinical testing. Allele origin: germline. Affected: yes.
Comment: The variant is not observed in the gnomAD v4.1.0 dataset. Predicted Consequence/Location: Frameshift: predicted to result in a loss or disruption of normal protein function through nonsense-mediated decay (NMD) or protein truncation. Multiple pathogenic variants are reported downstream of the variant. Therefore, this variant is classified as Likely pathogenic according to the recommendation of ACMG/AMP guideline.

NM_002941.4(ROBO1):c.1450_1475del (p.Pro484fs)

Gene: ROBO1 (roundabout guidance receptor 1; minus strand). Cytogenetic location: 3p12.3.
Variant type: Deletion.
Coding change: c.1450_1475del on transcript NM_002941.4 (MANE Select); coding-DNA positions 1450 to 1475, 26 bases deleted (CCCACCATTCTGTGGAGAAAGGATGG).
Protein change: p.Pro484fs; shifts the reading frame from proline 484.
Molecular consequence: frameshift variant.
Genome position (GRCh38, 1-based): chr3:78,670,169-78,670,194, CCATCCTTTCTCCACAGAATGGTGGG deleted on the plus strand (CCCACCATTCTGTGGAGAAAGGATGG on the coding strand, the reverse complement: ROBO1 is on the minus strand); deleting any 26 consecutive bases within chr3:78,670,169-78,670,195 gives the same sequence; the c. name uses the placement nearest the transcript's 3' end. VCF-style (leftmost placement, unchanged base first): chr3-78670168-TCCATCCTTTCTCCACAGAATGGTGGG-T. GRCh37 (hg19) VCF-style: chr3-78719318-TCCATCCTTTCTCCACAGAATGGTGGG-T.
Other names: c.1342_1367del, p.Pro448fs (NM_001145845.2, NM_133631.4); short protein forms P448fs, P484fs.
Identifiers: ClinVar variation 4853962 (VCV004853962.1).